The following is an entry in ClinVar:

NM_213653.4(HJV):c.293G>A (p.Arg98His)

Gene: HJV (hemojuvelin BMP co-receptor; minus strand). Cytogenetic location: 1q21.1.
Variant type: single nucleotide variant.
Coding change: c.293G>A on transcript NM_213653.4 (MANE Select); coding-DNA position 293, G replaced by A.
Protein change: p.Arg98His; replaces arginine 98 with histidine.
Molecular consequence: missense variant. On other transcripts: 5 prime UTR variant (1), intron variant (3).
Genome position (GRCh38, 1-based): chr1:146,019,539, C>T on the plus strand (G>A on the coding strand, the complement: HJV is on the minus strand). VCF-style: chr1-146019539-C-T. GRCh37 (hg19) VCF-style: chr1-145415474-G-A.
Other names: c.293G>A, p.Arg98His (NM_001379352.1); c.-47G>A (NM_145277.5); c.-21-839G>A (NM_213652.4); c.-22+159G>A (NM_202004.4, NM_001316767.2); short protein forms R98H.
Identifiers: ClinVar variation 1709058 (VCV001709058.2), dbSNP rs782609295, ClinGen allele CA1053784.
Genomic context (GRCh38, chr1:146,019,539, plus strand): 5'-TTGTGCTGGATCATCAGGTCTTCGATGCCATGTACCGCCGAATGGAAGGCGAGGTCCCCG[C>T]GGCAGGTGCGGGCGGTGCGCCGAGTGCAGAGCGCATAGGAGCGGAGGGCTCGACAGAGGC-3'
Protein context (NP_998818.1, residues 88-108): LCTRRTARTC[Arg98His]GDLAFHSAVH

ClinVar aggregate classification (germline): Uncertain significance (1 of 4 stars; one submission).

Conditions:
Hemochromatosis type 2A (HFE2A). Also called: Adult-Onset Hemochromatosis; HJV (HFE2)-Related Juvenile Hemochromatosis. Identifiers: Orphanet 79230, MedGen C1865614, MONDO:0011216, OMIM 602390.

Allele frequency attached by ClinVar (database versions not stated): gnomAD exomes below 0.00001; ExAC 0.00001; gnomAD 0.00001.

Submission:

MGZ Medical Genetics Center
Classification: Uncertain significance for Hemochromatosis type 2A. Last evaluated: 2022-06-02. Review status: criteria provided, single submitter. Criteria: ACMG Guidelines, 2015. Collection method: clinical testing. Allele origin: germline. Affected: yes. Observed: 2 variant alleles.
Comment: ACMG criteria applied: PM2_SUP